The following is an entry in ClinVar:

NM_015154.3(MESD):c.510del (p.Lys171fs)

Gene: MESD (mesoderm development LRP chaperone; minus strand). Cytogenetic location: 15q25.1.
Variant type: Deletion.
Coding change: c.510del on transcript NM_015154.3 (MANE Select); coding-DNA position 510, one base deleted (C; older notation c.510delC).
Protein change: p.Lys171fs; shifts the reading frame from lysine 171.
Molecular consequence: frameshift variant. On other transcripts: non-coding transcript variant (1).
Genome position (GRCh38, 1-based): chr15:80,979,414, G deleted on the plus strand (C on the coding strand, the reverse complement: MESD is on the minus strand). VCF-style (leftmost placement, unchanged base first): chr15-80979413-TG-T. GRCh37 (hg19) VCF-style: chr15-81271754-TG-T.
Other names: short protein forms K171fs.
Identifiers: ClinVar variation 4761793 (VCV004761793.1).

ClinVar aggregate classification (germline): Pathogenic (1 of 4 stars; one submission).

Submission:

Labcorp Genetics (formerly Invitae), Labcorp
Classification: Pathogenic. Last evaluated: 2025-04-25. Review status: criteria provided, single submitter. Criteria: Invitae Variant Classification Sherloc (09022015). Collection method: clinical testing. Allele origin: germline.
Comment: This sequence change creates a premature translational stop signal (p.Lys171Argfs*13) in the MESDC2 gene. While this is not anticipated to result in nonsense mediated decay, it is expected to disrupt the last 64 amino acid(s) of the MESDC2 protein. This variant is not present in population databases (gnomAD no frequency). This variant has not been reported in the literature in individuals affected with MESDC2-related conditions. This variant disrupts a region of the MESDC2 protein in which other variant(s) (p.Thr203Alafs*26) have been determined to be pathogenic (PMID: 33596325). This suggests that this is a clinically significant region of the protein, and that variants that disrupt it are likely to be disease-causing. For these reasons, this variant has been classified as Pathogenic.

Literature cited by the submitters: PubMed 33596325.